The following is an entry in ClinVar:

NC_000001.10:g.(?_103385847)_(103496820_?)del

Gene: COL11A1 (collagen type XI alpha 1 chain; minus strand). Cytogenetic location: 1p21.1.
Variant type: Deletion.
Identifiers: ClinVar variation 3247925 (VCV003247925.1).

ClinVar aggregate classification (germline): Pathogenic (1 of 4 stars; one submission).

Submission:

Labcorp Genetics (formerly Invitae), Labcorp
Classification: Pathogenic. Last evaluated: 2023-12-01. Review status: criteria provided, single submitter. Criteria: Invitae Variant Classification Sherloc (09022015). Collection method: clinical testing. Allele origin: unknown.
Comment: This variant is a gross deletion of the genomic region encompassing exon(s) 5-49 of the COL11A1 gene. This variant would be expected to be in-frame, preserving the integrity of the reading frame. This variant has not been reported in the literature in individuals affected with COL11A1-related conditions. This variant disrupts a region of the COL11A1 protein in which other variant(s) (p.Lys1209_Glu1211del) have been determined to be pathogenic (PMID: 25091507). This suggests that this is a clinically significant region of the protein, and that variants that disrupt it are likely to be disease-causing. For these reasons, this variant has been classified as Pathogenic.

Literature cited by the submitters: PubMed 25091507.